The following is an entry in ClinVar:

NM_153747.2(PIGC):c.266G>A (p.Gly89Asp)

Genes: C1orf105 (chromosome 1 open reading frame 105; plus strand), PIGC (phosphatidylinositol glycan anchor biosynthesis class C; minus strand). Cytogenetic location: 1q24.3.
Variant type: single nucleotide variant.
Coding change: c.266G>A on transcript NM_153747.2 (MANE Select); coding-DNA position 266, G replaced by A.
Protein change: p.Gly89Asp; replaces glycine 89 with aspartic acid.
Molecular consequence: missense variant. On other transcripts: intron variant (1).
Genome position (GRCh38, 1-based): chr1:172,442,357, C>T on the plus strand (G>A on the coding strand, the complement: PIGC is on the minus strand). VCF-style: chr1-172442357-C-T. GRCh37 (hg19) VCF-style: chr1-172411497-C-T.
Other names: c.266G>A, p.Gly89Asp (NM_002642.4); c.22-2716C>T (NM_139240.4); short protein forms G89D.
Identifiers: ClinVar variation 1388527 (VCV001388527.6), dbSNP rs1647406021, ClinGen allele CA343732803.

ClinVar aggregate classification (germline): Uncertain significance (1 of 4 stars; one submission).

Submission:

Labcorp Genetics (formerly Invitae), Labcorp
Classification: Uncertain significance. Last evaluated: 2022-03-22. Review status: criteria provided, single submitter. Criteria: Invitae Variant Classification Sherloc (09022015). Collection method: clinical testing. Allele origin: germline.
Comment: In summary, the available evidence is currently insufficient to determine the role of this variant in disease. Therefore, it has been classified as a Variant of Uncertain Significance. Algorithms developed to predict the effect of missense changes on protein structure and function (SIFT, PolyPhen-2, Align-GVGD) all suggest that this variant is likely to be tolerated. This variant has not been reported in the literature in individuals affected with PIGC-related conditions. This variant is not present in population databases (gnomAD no frequency). This sequence change replaces glycine, which is neutral and non-polar, with aspartic acid, which is acidic and polar, at codon 89 of the PIGC protein (p.Gly89Asp).